The following is an entry in ClinVar:

NM_001199753.2(CPT1C):c.2093A>G (p.Asn698Ser)

Gene: CPT1C (carnitine palmitoyltransferase 1C; plus strand). Cytogenetic location: 19q13.33.
Variant type: single nucleotide variant.
Coding change: c.2093A>G on transcript NM_001199753.2 (MANE Select); coding-DNA position 2093, A replaced by G.
Protein change: p.Asn698Ser; replaces asparagine 698 with serine.
Molecular consequence: missense variant. On other transcripts: non-coding transcript variant (1).
Genome position (GRCh38, 1-based): chr19:49,712,809, A>G. VCF-style: chr19-49712809-A-G. GRCh37 (hg19) VCF-style: chr19-50216066-A-G.
Other names: c.2060A>G, p.Asn687Ser (NM_001136052.3, NM_001378485.1); c.2093A>G, p.Asn698Ser (NM_001199752.3, NM_001378483.1, NM_001378484.1 and 1 more transcripts); c.2159A>G, p.Asn720Ser (NM_001378482.1); c.1958A>G, p.Asn653Ser (NM_001378486.1, NM_001378488.1); c.1925A>G, p.Asn642Ser (NM_001378487.1); short protein forms N642S, N687S, N720S, N698S, N653S.
Identifiers: ClinVar variation 2160439 (VCV002160439.4), dbSNP rs1027394861, ClinGen allele CA309519620.
Genomic context (GRCh38, chr19:49,712,809, plus strand): 5'-AGTGGCAGCTGTCCACCAGCCAGATCCCTGTTCAGCAAATGCATCTGTTTGACGTCCACA[A>G]TTACCCGGACTATGTTTCCTCAGGCGGTGGATTCGGGCCTGTGAGTGGAGCTGGGCGCGC-3'
Protein context (NP_001186682.1, residues 688-708): VQQMHLFDVH[Asn698Ser]YPDYVSSGGG

ClinVar aggregate classification (germline): Uncertain significance (1 of 4 stars; one submission).

Conditions:
Hereditary spastic paraplegia 73. Also called: Spastic paraplegia 73, autosomal dominant. Identifiers: Orphanet 444099, MedGen C5568981, MONDO:0014568, OMIM 616282.

Allele frequency attached by ClinVar (database versions not stated): gnomAD 0.00001; gnomAD exomes 0.00001; TOPMed 0.00001.
gnomAD v4.1: 18 of 1,613,794 alleles (0.0011%); highest among the groups gnomAD compares: Non-Finnish European, 0.0013%; no homozygotes.

Submission:

Labcorp Genetics (formerly Invitae), Labcorp
Classification: Uncertain significance for Hereditary spastic paraplegia 73. Last evaluated: 2022-03-13. Review status: criteria provided, single submitter. Criteria: Invitae Variant Classification Sherloc (09022015). Collection method: clinical testing. Allele origin: germline.
Comment: This sequence change replaces asparagine, which is neutral and polar, with serine, which is neutral and polar, at codon 687 of the CPT1C protein (p.Asn687Ser). This variant is present in population databases (no rsID available, gnomAD 0.004%). In summary, the available evidence is currently insufficient to determine the role of this variant in disease. Therefore, it has been classified as a Variant of Uncertain Significance. Algorithms developed to predict the effect of missense changes on protein structure and function output the following: SIFT: "Tolerated"; PolyPhen-2: "Benign"; Align-GVGD: "Class C0". The serine amino acid residue is found in multiple mammalian species, which suggests that this missense change does not adversely affect protein function. This variant has not been reported in the literature in individuals affected with CPT1C-related conditions.